The following is an entry in ClinVar:

ClinVar aggregate classification (germline): Likely benign. Review status: reviewed by expert panel (3 of 4 stars). 4 submissions from 4 submitters: Likely benign (1). 3 of the submissions do not count toward it. Last evaluated 2017-06-29.

Conditions:
Hereditary cancer-predisposing syndrome. Also called: Tumor predisposition; Hereditary Cancer Syndrome; Neoplastic Syndromes, Hereditary; Hereditary neoplastic syndrome. Identifiers: Orphanet 140162, MedGen C0027672, MeSH D009386, MONDO:0015356.
Hereditary breast ovarian cancer syndrome. Also called: Hereditary breast and/or ovarian cancer syndrome; BRCA1- and BRCA2-Associated Hereditary Breast and Ovarian Cancer; Hereditary breast and ovarian cancer; Hereditary breast and ovarian cancer syndrome (HBOC); Breast and ovarian cancer; Hereditary breast and ovarian cancer syndrome. Identifiers: Orphanet 145, MedGen C0677776, MeSH D061325, MONDO:0003582. Disease mechanism: loss of function.
Breast-ovarian cancer, familial, susceptibility to, 2 (BROVCA2). Also called: BRCA2 Hereditary Breast and Ovarian Cancer. Identifiers: Orphanet 145, MedGen C2675520, MONDO:0012933, OMIM 612555. Disease mechanism: loss of function.

Submissions (4):

Evidence-based Network for the Interpretation of Germline Mutant Alleles (ENIGMA)
Classification: Likely benign for Breast-ovarian cancer, familial, susceptibility to, 2. Last evaluated: 2017-06-29. Review status: reviewed by expert panel. Criteria: ENIGMA BRCA1/2 Classification Criteria (2017-06-29). Collection method: curation. Allele origin: germline.
Comment: Synonymous substitution variant, with low bioinformatic likelihood to result in a splicing aberration (Splicing prior probability 0.02).

Labcorp Genetics (formerly Invitae), Labcorp
Classification: Likely benign for Hereditary breast ovarian cancer syndrome. Last evaluated: 2024-10-29. Review status: criteria provided, single submitter. Criteria: Invitae Variant Classification Sherloc (09022015). Collection method: clinical testing. Allele origin: germline. Not counted in ClinVar's aggregate classification.

Women's Health and Genetics/Laboratory Corporation of America, LabCorp
Classification: Likely benign. Last evaluated: 2021-01-08. Review status: criteria provided, single submitter. Criteria: LabCorp Variant Classification Summary - May 2015. Collection method: clinical testing. Allele origin: germline. Not counted in ClinVar's aggregate classification.

Ambry Genetics
Classification: Likely benign for Hereditary cancer-predisposing syndrome. Last evaluated: 2019-05-17. Review status: criteria provided, single submitter. Criteria: Ambry Variant Classification Scheme 2023. Collection method: clinical testing. Allele origin: germline. Not counted in ClinVar's aggregate classification.

NM_000059.4(BRCA2):c.4338T>C (p.Ile1446=)

Gene: BRCA2 (BRCA2 DNA repair associated; plus strand). Cytogenetic location: 13q13.1.
Variant type: single nucleotide variant.
Coding change: c.4338T>C on transcript NM_000059.4 (MANE Select); coding-DNA position 4338, T replaced by C.
Protein change: p.Ile1446=; no amino-acid change (isoleucine 1446 retained).
Molecular consequence: synonymous variant.
Genome position (GRCh38, 1-based): chr13:32,338,693, T>C. VCF-style: chr13-32338693-T-C. GRCh37 (hg19) VCF-style: chr13-32912830-T-C.
Identifiers: ClinVar variation 219536 (VCV000219536.17), dbSNP rs864622144, ClinGen allele CA348801.
Genomic context (GRCh38, chr13:32,338,693, plus strand): 5'-ATTTTTTCAGACTGCAAGTGGGAAAAATATTAGTGTCGCCAAAGAGTCATTTAATAAAAT[T>C]GTAAATTTCTTTGATCAGAAACCAGAAGAATTGCATAACTTTTCCTTAAATTCTGAATTA-3'
Protein context (NP_000050.3, residues 1436-1456): ISVAKESFNK[Ile1446=]VNFFDQKPEE